The following is an entry in ClinVar:

NM_020831.6(MRTFA):c.2090T>G (p.Phe697Cys)

Gene: MRTFA (myocardin related transcription factor A; minus strand). Cytogenetic location: 22q13.1.
Variant type: single nucleotide variant.
Coding change: c.2090T>G on transcript NM_020831.6 (MANE Select); coding-DNA position 2090, T replaced by G.
Protein change: p.Phe697Cys; replaces phenylalanine 697 with cysteine.
Molecular consequence: missense variant.
Genome position (GRCh38, 1-based): chr22:40,418,648, A>C on the plus strand (T>G on the coding strand, the complement: MRTFA is on the minus strand). VCF-style: chr22-40418648-A-C. GRCh37 (hg19) VCF-style: chr22-40814652-A-C.
Other names: c.1790T>G, p.Phe597Cys (NM_001282660.2); c.1940T>G, p.Phe647Cys (NM_001282661.3); c.2090T>G, p.Phe697Cys (NM_001282662.3); c.1895T>G, p.Phe632Cys (NM_001318139.2); short protein forms F597C, F632C, F647C, F697C.
Identifiers: ClinVar variation 2128868 (VCV002128868.4), dbSNP rs1395892849, ClinGen allele CA411658447.

ClinVar aggregate classification (germline): Uncertain significance (1 of 4 stars; one submission).

Submission:

Labcorp Genetics (formerly Invitae), Labcorp
Classification: Uncertain significance. Last evaluated: 2023-12-06. Review status: criteria provided, single submitter. Criteria: Invitae Variant Classification Sherloc (09022015). Collection method: clinical testing. Allele origin: germline.
Comment: This sequence change replaces phenylalanine, which is neutral and non-polar, with cysteine, which is neutral and slightly polar, at codon 597 of the MKL1 protein (p.Phe597Cys). This variant is not present in population databases (gnomAD no frequency). This variant has not been reported in the literature in individuals affected with MKL1-related conditions. ClinVar contains an entry for this variant (Variation ID: 2128868). Algorithms developed to predict the effect of missense changes on protein structure and function output the following: SIFT: "Not Available"; PolyPhen-2: "Benign"; Align-GVGD: "Not Available". The cysteine amino acid residue is found in multiple mammalian species, which suggests that this missense change does not adversely affect protein function. In summary, the available evidence is currently insufficient to determine the role of this variant in disease. Therefore, it has been classified as a Variant of Uncertain Significance.